The following is an entry in ClinVar:

ClinVar aggregate classification (germline): Uncertain significance (1 of 4 stars; one submission).

Conditions:
Mendelian susceptibility to mycobacterial diseases due to partial STAT1 deficiency. Also called: IMMUNODEFICIENCY 31A, MYCOBACTERIOSIS, AUTOSOMAL DOMINANT; STAT1 DEFICIENCY, AUTOSOMAL DOMINANT; Immunodeficiency 31a. Identifiers: Orphanet 319595, MedGen C4013950, MONDO:0013956, OMIM 614892.
Immunodeficiency 31B. Also called: STAT1 DEFICIENCY, AUTOSOMAL RECESSIVE; IMMUNODEFICIENCY 31B, MYCOBACTERIAL AND VIRAL INFECTIONS, AUTOSOMAL RECESSIVE. Identifiers: Orphanet 391311, MedGen C3151088, MONDO:0013427, OMIM 613796.
Autoimmune enteropathy and endocrinopathy - susceptibility to chronic infections syndrome. Also called: Immunodeficiency 31C, autosomal dominant; Immunodeficiency 31C. Identifiers: Orphanet 391487, MedGen C3279990, MONDO:0013599, OMIM 614162.

gnomAD v4.1: 1 of 1,614,166 alleles (0.000062%); highest among the groups gnomAD compares: Middle Eastern, 0.016%; no homozygotes.

Submission:

Labcorp Genetics (formerly Invitae), Labcorp
Classification: Uncertain significance for Mendelian susceptibility to mycobacterial diseases due to partial STAT1 deficiency; Immunodeficiency 31B; Autoimmune enteropathy and endocrinopathy - susceptibility to chronic infections syndrome. Last evaluated: 2024-05-22. Review status: criteria provided, single submitter. Criteria: Invitae Variant Classification Sherloc (09022015). Collection method: clinical testing. Allele origin: germline.
Comment: This sequence change replaces arginine, which is basic and polar, with tryptophan, which is neutral and slightly polar, at codon 736 of the STAT1 protein (p.Arg736Trp). This variant is not present in population databases (gnomAD no frequency). This variant has not been reported in the literature in individuals affected with STAT1-related conditions. An algorithm developed to predict the effect of missense changes on protein structure and function (PolyPhen-2) suggests that this variant is likely to be disruptive. In summary, the available evidence is currently insufficient to determine the role of this variant in disease. Therefore, it has been classified as a Variant of Uncertain Significance.

NM_007315.4(STAT1):c.2206C>T (p.Arg736Trp)

Gene: STAT1 (signal transducer and activator of transcription 1; minus strand). Cytogenetic location: 2q32.2.
Variant type: single nucleotide variant.
Coding change: c.2206C>T on transcript NM_007315.4 (MANE Select); coding-DNA position 2206, C replaced by T.
Protein change: p.Arg736Trp; replaces arginine 736 with tryptophan.
Molecular consequence: missense variant.
Genome position (GRCh38, 1-based): chr2:190,974,862, G>A on the plus strand (C>T on the coding strand, the complement: STAT1 is on the minus strand). VCF-style: chr2-190974862-G-A. GRCh37 (hg19) VCF-style: chr2-191839588-G-A.
Other names: c.2242C>T, p.Arg748Trp (NM_001384891.1); c.2146C>T, p.Arg716Trp (NM_001384880.1); c.2212C>T, p.Arg738Trp (NM_001384881.1); c.2200C>T, p.Arg734Trp (NM_001384882.1); c.2107C>T, p.Arg703Trp (NM_001384883.1); c.1969C>T, p.Arg657Trp (NM_001384884.1); c.2047C>T, p.Arg683Trp (NM_001384885.1); c.2230C>T, p.Arg744Trp (NM_001384886.1); and 4 more; short protein forms R657W, R683W, R703W, R705W, R706W, R716W, R726W, R732W.
Identifiers: ClinVar variation 3761875 (VCV003761875.2).